The following is an entry in ClinVar:

ClinVar aggregate classification (germline): Pathogenic. Review status: reviewed by expert panel (3 of 4 stars). 13 submissions from 13 submitters: Pathogenic (1). 12 of the submissions do not count toward it. Last evaluated 2026-02-18.

Conditions:
Muscular dystrophy, limb-girdle, autosomal dominant 4. Also called: MUSCULAR DYSTROPHY, LIMB-GIRDLE, TYPE 1I; Calpain-3-related limb-girdle muscular dystrophy D4. Identifiers: Orphanet 565909, MedGen C4748295, MONDO:0029133, OMIM 618129.
Autosomal recessive limb-girdle muscular dystrophy. Identifiers: Orphanet 102015, MedGen C2931907, MONDO:0015152.
Autosomal recessive limb-girdle muscular dystrophy type 2A (LGMDR1). Also called: MUSCULAR DYSTROPHY, PELVOFEMORAL; LEYDEN-MOEBIUS MUSCULAR DYSTROPHY; Limb-girdle muscular dystrophy, type 2A; Calpainopathy; Muscular dystrophy, limb-girdle, type 2A, Amish. Identifiers: Orphanet 267, MedGen C1869123, MONDO:0009675, OMIM 253600. Disease mechanism: loss of function.

Allele frequency attached by ClinVar (database versions not stated): gnomAD exomes 0.00001; ExAC 0.00001; gnomAD 0.00001.

Submissions 1 to 8 of 13:

ClinGen Limb Girdle Muscular Dystrophy Variant Curation Expert Panel, ClinGen
Classification: Pathogenic for Autosomal recessive limb-girdle muscular dystrophy. Last evaluated: 2026-02-18. Review status: reviewed by expert panel. Criteria: ClinGen LGMD VCEP ACMG Specifications CAPN3 V2.0.0. Collection method: curation. Allele origin: germline. Inheritance: Autosomal recessive inheritance.
Comment: The NM_000070.3: c.1622G>A variant in CAPN3 is a missense variant predicted to cause the substitution of arginine at amino acid position 541 with glutamine, p.(Arg541Gln). This variant has been identified in at least 18 individuals with features consistent with LGMD (PMID: 10330340, 1641109, 32994280, 30564623, 16141003, 30919934; LOVD CAPN3_000024; GRASP-LGMD Consortium internal data communication; ClinVar SCV001164515.1), including in a homozygous state without reported consanguinity in three unrelated patients (1.0 pt, PMID: 10330340, 30919934). It has also been reported in unconfirmed phase with a pathogenic variant in at least six patients (c.2120A>G p.(Asp707Gly), 0.5 pts, PMID: 32994280, LOVD Individual #00311302; c.1469G>A p.(Arg490Gln), 0.5 pts, PMID: 16141003, LOVD Individual #00214226; c.550del p.(Thr184ArgfsTer36) x4, 2.0 pts, PMID: 16141003, LOVD Individuals #00214228, #00214229, GRASP-LGMD Consortium internal data communication; ClinVar SCV001164515.1 internal data communication) (PM3_Very Strong). At least one patient with this variant and another presumed diagnostic CAPN3 variant exhibited progressive limb girdle muscle weakness (PMID: 1614100; PP4). The highest population variant allele frequency in gnomAD v4.1.0 is 0.00002196 (2/91082 South Asian chromosomes), which is lower than the VCEP threshold of 0.0001 (PM2_Supporting). The computational predictor REVEL gives a score of 0.908, which is above the VCEP threshold of ≥0.70, evidence that correlates with impact to CAPN3 function (PP3). A minigene assay showed altered splicing in a minority of transcripts but without a significant reduction in normally spliced transcript (PMID: 32668095; PVS1_RNA not met). The SpliceAI score is 0.02. In summary, this variant meets criteria to be classified as Pathogenic for autosomal recessive limb girdle muscular dystrophy based on the ACMG criteria applied, as specified by the LGMD VCEP (specifications version 2.0.0, 02/18/2026): PM3_Very Strong, PP4, PM2_Supporting, PP3.

Women's Health and Genetics/Laboratory Corporation of America, LabCorp
Classification: Pathogenic for Autosomal recessive limb-girdle muscular dystrophy. Last evaluated: 2024-12-06. Review status: criteria provided, single submitter. Criteria: LabCorp Variant Classification Summary - May 2015. Collection method: clinical testing. Allele origin: germline. Not counted in ClinVar's aggregate classification.
Comment: Variant summary: CAPN3 c.1622G>A (p.Arg541Gln) results in a conservative amino acid change in the encoded protein sequence. Four of five in-silico tools predict a damaging effect of the variant on protein function. The variant allele was found at a frequency of 1.2e-05 in 251436 control chromosomes (gnomAD). c.1622G>A has been reported in the literature in multiple individuals affected with Limb-Girdle Muscular Dystrophy, Autosomal Recessive (e.g. Piluso_2005, Ten Dam_2019). These data indicate that the variant is very likely to be associated with disease. A different variant affecting the same codon has been classified as pathogenic by our lab (c.1621C>T, p.Arg541Trp), supporting the critical relevance of codon 541 to CAPN3 protein function. The following publications have been ascertained in the context of this evaluation (PMID: 16141003, 30919934). ClinVar contains an entry for this variant (Variation ID: 92407). Based on the evidence outlined above, the variant was classified as pathogenic.

3billion
Classification: Pathogenic for Autosomal recessive limb-girdle muscular dystrophy type 2A. Last evaluated: 2024-11-25. Review status: criteria provided, single submitter. Criteria: ACMG Guidelines, 2015. Collection method: clinical testing. Allele origin: germline. Affected: yes. Not counted in ClinVar's aggregate classification.
Comment: The variant is observed at an extremely low frequency in the gnomAD v4.1.0 dataset (total allele frequency: <0.001%). Predicted Consequence/Location: Missense variant In silico tool predictions suggest damaging effect of the variant on gene or gene product [REVEL: 0.91 (>=0.6, sensitivity 0.68 and specificity 0.92); 3Cnet: 0.99 (>=0.6, sensitivity 0.72 and precision 0.9)]. The same nucleotide change resulting in the same amino acid change has been previously reported as pathogenic/likely pathogenic with strong evidence (ClinVar ID: VCV000092407 /PMID: 10330340). Different missense changes at the same codon (p.Arg541Pro, p.Arg541Trp) have been reported as pathogenic/likely pathogenic with strong evidence (ClinVar ID: VCV000498267 /PMID: 14981715, 22926650 /3billion dataset). Therefore, this variant is classified as Pathogenic according to the recommendation of ACMG/AMP guideline.

Natera, Inc.
Classification: Likely pathogenic for Limb-girdle muscular dystrophy type 2A. Last evaluated: 2024-09-07. Review status: criteria provided, single submitter. Criteria: Natera Variant Classification Schema (03/2026). Collection method: clinical testing. Allele origin: germline. Not counted in ClinVar's aggregate classification.
Comment: The c.1622G>A variant in CAPN3 is a missense variant predicted to cause substitution of arginine to glutamine at amino acid 541. This variant is rare in the general population with a frequency below the threshold expected for the associated phenotype(s). This variant has been observed in one or more individuals affected with the associated recessive disease, as either homozygous or compound heterozygous with a second variant (PMID: 35169782, 30919934, 16411092, 32140910). A different variant at the same position has been determined to be Pathogenic or Likely Pathogenic. Computational prediction algorithms indicate this variant is likely to affect gene or protein function. Given the available evidence, this variant is classified as Likely Pathogenic.

Baylor Genetics
Classification: Pathogenic for Muscular dystrophy, limb-girdle, autosomal dominant 4. Last evaluated: 2024-02-19. Review status: criteria provided, single submitter. Criteria: ACMG Guidelines, 2015. Collection method: clinical testing. Allele origin: unknown. Not counted in ClinVar's aggregate classification.

Labcorp Genetics (formerly Invitae), Labcorp
Classification: Pathogenic for Autosomal recessive limb-girdle muscular dystrophy type 2A. Last evaluated: 2024-02-14. Review status: criteria provided, single submitter. Criteria: Invitae Variant Classification Sherloc (09022015). Collection method: clinical testing. Allele origin: germline. Not counted in ClinVar's aggregate classification.
Comment: This sequence change replaces arginine, which is basic and polar, with glutamine, which is neutral and polar, at codon 541 of the CAPN3 protein (p.Arg541Gln). This variant is present in population databases (rs398123143, gnomAD 0.006%). This missense change has been observed in individuals with clinical features of autosomal recessive limb-girdle muscular dystrophy (PMID: 16411092, 30919934; Invitae). ClinVar contains an entry for this variant (Variation ID: 92407). Advanced modeling of protein sequence and biophysical properties (such as structural, functional, and spatial information, amino acid conservation, physicochemical variation, residue mobility, and thermodynamic stability) performed at Invitae indicates that this missense variant is expected to disrupt CAPN3 protein function with a positive predictive value of 80%. This variant disrupts the p.Arg541 amino acid residue in CAPN3. Other variant(s) that disrupt this residue have been determined to be pathogenic (PMID: 16100770, 18854869, 19556129). This suggests that this residue is clinically significant, and that variants that disrupt this residue are likely to be disease-causing. For these reasons, this variant has been classified as Pathogenic.

Athena Diagnostics
Classification: Likely pathogenic. Last evaluated: 2022-02-16. Review status: criteria provided, single submitter. Criteria: Athena Diagnostics Criteria. Collection method: clinical testing. Allele origin: unknown. Not counted in ClinVar's aggregate classification.
Comment: The frequency of this variant in the general population is consistent with pathogenicity. This variant is statistically more frequent in affected individuals than in the general population and/or healthy controls. In multiple individuals, this variant has been seen with a single recessive pathogenic variant in the same gene, suggesting this variant may also be pathogenic. Computational tools predict that this variant is damaging.

MGZ Medical Genetics Center
Classification: Likely pathogenic for Autosomal recessive limb-girdle muscular dystrophy type 2A. Last evaluated: 2021-10-04. Review status: criteria provided, single submitter. Criteria: ACMG Guidelines, 2015. Collection method: clinical testing. Allele origin: germline. Affected: yes. Observed: 1 variant allele. Not counted in ClinVar's aggregate classification.
Comment: ACMG criteria applied: PM3_STR, PM2_SUP, PP3

NM_000070.3(CAPN3):c.1622G>A (p.Arg541Gln)

Gene: CAPN3 (calpain 3; plus strand). Cytogenetic location: 15q15.1.
Variant type: single nucleotide variant.
Coding change: c.1622G>A on transcript NM_000070.3 (MANE Select); coding-DNA position 1622, G replaced by A.
Protein change: p.Arg541Gln; replaces arginine 541 with glutamine.
Molecular consequence: missense variant.
Genome position (GRCh38, 1-based): chr15:42,402,879, G>A. VCF-style: chr15-42402879-G-A. GRCh37 (hg19) VCF-style: chr15-42695077-G-A.
Other names: NM_000070.3(CAPN3):c.1622G>A; c.1622G>A, p.Arg541Gln (NM_024344.2); c.1478G>A, p.Arg493Gln (NM_173087.2); c.86G>A, p.Arg29Gln (NM_173088.2); short protein forms R541Q, R29Q, R493Q.
Identifiers: ClinVar variation 92407 (VCV000092407.29), dbSNP rs398123143, ClinGen allele CA220342.
Genomic context (GRCh38, chr15:42,402,879, plus strand): 5'-AGAAGGACTTCTTCCTGTACAACGCCTCCAAGGCCAGGAGCAAAACCTACATCAACATGC[G>A]GGAGGTGTCCCAGCGCTTCCGCCTGCCTCCCAGCGAGTACGTCATCGTGCCCTCCACCTA-3'
Protein context (NP_000061.1, residues 531-551): KARSKTYINM[Arg541Gln]EVSQRFRLPP